The following is an entry in ClinVar:

ClinVar aggregate classification (germline): Pathogenic/Likely pathogenic. Review status: criteria provided, multiple submitters, no conflicts (2 of 4 stars). 3 submissions from 3 submitters: Pathogenic (2); Likely pathogenic (1). Last evaluated 2025-08-01.

Conditions:
Capillary malformation-arteriovenous malformation syndrome. Also called: Capillary malformation-arteriovenous malformation. Identifiers: Orphanet 137667, MedGen C1842180, MONDO:0012016.
Capillary malformation-arteriovenous malformation 1 (CMAVM1). Identifiers: Orphanet 137667, Orphanet 693907, MedGen C4747394, MONDO:0020783, OMIM 608354.

Submissions (3):

Clinical Genomics Laboratory, Washington University in St. Louis
Classification: Likely pathogenic for Capillary malformation-arteriovenous malformation 1. Last evaluated: 2025-08-01. Review status: criteria provided, single submitter. Criteria: ACMG Guidelines, 2015. Collection method: clinical testing. Allele origin: germline. Affected: yes.
Comment: A RASA1 c.2422_2423del (p.Gln808Valfs*21) variant was identified at a near heterozygous allelic fraction of 54.2%, a frequency which may be consistent with it being of germline origin. This variant, to our knowledge, has not been reported in the medical literature. It has been reported in the ClinVar database as a pathogenic variant in the germline state by two submitters (ClinVar ID: 1691332). This variant is absent from the general population (gnomAD v4.1.0), indicating it is not a common variant. This variant causes a frameshift by deleting two nucleotides, leading to a premature termination codon, which is predicted to lead to nonsense mediated decay. Based on available information and the ACMG/AMP guidelines for variant interpretation (Richards S et al., PMID: 25741868), this variant is classified as likely pathogenic.

Labcorp Genetics (formerly Invitae), Labcorp
Classification: Pathogenic for Capillary malformation-arteriovenous malformation syndrome. Last evaluated: 2022-06-20. Review status: criteria provided, single submitter. Criteria: Invitae Variant Classification Sherloc (09022015). Collection method: clinical testing. Allele origin: germline.
Comment: For these reasons, this variant has been classified as Pathogenic. This variant has not been reported in the literature in individuals affected with RASA1-related conditions. This variant is not present in population databases (gnomAD no frequency). This sequence change creates a premature translational stop signal (p.Gln808Valfs*21) in the RASA1 gene. It is expected to result in an absent or disrupted protein product. Loss-of-function variants in RASA1 are known to be pathogenic (PMID: 24038909).

Seattle Children's Hospital Molecular Genetics Laboratory, Seattle Children's Hospital
Classification: Pathogenic. Last evaluated: 2021-10-29. Review status: criteria provided, single submitter. Criteria: ACMG Guidelines, 2015. Collection method: clinical testing. Allele origin: germline. Affected: yes.
Comment: This variant has not been previously reported in the medical literature or clinical databases (ClinVar, Human Gene Mutation Database, RASA1 database), and it has not been observed in large population studies (absent from Genome Aggregation Database v.2.1.1). While this variant has not been previously reported, other predicted loss-of-function variants in this region and downstream have been described in several individuals with capillary malformations (PMID: 18446851, PMID: 24038909, PMID: 29891884). Therefore, the c.2422_2423del variant is interpreted as pathogenic (PMID: 25741868).

Literature cited by the submitters: PubMed 24038909 (cited by Labcorp Genetics (formerly Invitae), Labcorp).

NM_002890.3(RASA1):c.2422_2423del (p.Gln808fs)

Genes: CCNH (cyclin H; minus strand), RASA1 (RAS p21 protein activator 1; plus strand). Cytogenetic location: 5q14.3.
Variant type: Microsatellite.
Coding change: c.2422_2423del on transcript NM_002890.3 (MANE Select); coding-DNA positions 2422 to 2423, 2 bases deleted (CA; older notation c.2422_2423delCA).
Protein change: p.Gln808fs; shifts the reading frame from glutamine 808.
Molecular consequence: frameshift variant. On other transcripts: intron variant (1).
Genome position (GRCh38, 1-based): chr5:87,378,473-87,378,474, CA deleted; deleting any 2 consecutive bases within chr5:87,378,470-87,378,474 gives the same sequence; the c. name uses the placement nearest the transcript's 3' end. VCF-style (leftmost placement, unchanged base first): chr5-87378469-TAC-T. GRCh37 (hg19) VCF-style: chr5-86674286-TAC-T.
Other names: c.1891_1892del, p.Gln631fs (NM_022650.3); c.933+16573_933+16574del (NM_001364075.2); short protein forms Q631fs, Q808fs.
Identifiers: ClinVar variation 1691332 (VCV001691332.8), dbSNP rs2112495617, ClinGen allele CA2580613603.
Genomic context (GRCh38, chr5:87,378,469, plus strand): 5'-CCTATTTCGAGCCACAACACTTGCAAGCACCTTGATGGAGCAGTATATGAAAGCCACTGC[TAC>T]ACAGTTTGTTCATCATGCTTTGAAAGACTCTATTTTAAAGATAATGGAAAGCAAGCAGTC-3'